The following is an entry in ClinVar:

NM_016532.4(INPP5K):c.531C>T (p.Asp177=)

Gene: INPP5K (inositol polyphosphate-5-phosphatase K; minus strand). Cytogenetic location: 17p13.3.
Variant type: single nucleotide variant.
Coding change: c.531C>T on transcript NM_016532.4 (MANE Select); coding-DNA position 531, C replaced by T.
Protein change: p.Asp177=; no amino-acid change (aspartic acid 177 retained).
Molecular consequence: synonymous variant.
Genome position (GRCh38, 1-based): chr17:1,509,201, G>A on the plus strand (C>T on the coding strand, the complement: INPP5K is on the minus strand). VCF-style: chr17-1509201-G-A. GRCh37 (hg19) VCF-style: chr17-1412495-G-A.
Other names: c.303C>T, p.Asp101= (NM_001135642.2, NM_130766.3).
Identifiers: ClinVar variation 2647186 (VCV002647186.24), dbSNP rs200783507, ClinGen allele CA8268581.
Genomic context (GRCh38, chr17:1,509,201, plus strand): 5'-CAGAGGGCGGGGAACGGTCTGCCAGACCCAGGCTCACTCGTGGTCCAGGATGTTTGGGAT[G>A]TCTCGCCCCTCACAATTCTGCATCTCCAGGATCCGGTCAAAGTGCTCCAGCCGCTGGTAA-3'
Protein context (NP_057616.2, residues 167-187): ILEMQNCEGR[Asp177=]IPNILDHDLI

ClinVar aggregate classification (germline): Likely benign (1 of 4 stars; one submission).

Allele frequency attached by ClinVar (database versions not stated): gnomAD 0.00002; gnomAD exomes 0.00003; ExAC 0.00007; TOPMed 0.00007.
gnomAD v4.1: 51 of 1,613,310 alleles (0.0032%); highest among the groups gnomAD compares: Middle Eastern, 0.054%; no homozygotes.

Submission:

CeGaT Center for Human Genetics Tuebingen
Classification: Likely benign. Last evaluated: 2023-05-01. Review status: criteria provided, single submitter. Criteria: CeGaT Center For Human Genetics Tuebingen Variant Classification Criteria Version 2. Collection method: clinical testing. Allele origin: germline. Affected: yes. Observed: 1 variant allele.
Comment: INPP5K: BP4, BP7